The following is an entry in ClinVar:

ClinVar aggregate classification (germline): Uncertain significance. Review status: criteria provided, multiple submitters, no conflicts (2 of 4 stars). 2 submissions from 2 submitters: Uncertain significance (2). Last evaluated 2026-03-21.

Allele frequency attached by ClinVar (database versions not stated): gnomAD 0.00001.
gnomAD v4.1: 1 of 1,209,517 alleles (0.000083%); highest among the groups gnomAD compares: African/African-American, 0.0018%; no homozygotes.

Submissions (2):

GeneDx
Classification: Uncertain significance. Last evaluated: 2026-03-21. Review status: criteria provided, single submitter. Criteria: GeneDx Variant Classification Process June 2021. Collection method: clinical testing. Allele origin: germline.
Comment: Not observed at significant frequency in large population cohorts (gnomAD); In silico analysis suggests that this missense variant does not alter protein structure/function; Has not been previously published as pathogenic or benign to our knowledge

Labcorp Genetics (formerly Invitae), Labcorp
Classification: Uncertain significance. Last evaluated: 2024-04-05. Review status: criteria provided, single submitter. Criteria: Invitae Variant Classification Sherloc (09022015). Collection method: clinical testing. Allele origin: germline.
Comment: This sequence change replaces glycine, which is neutral and non-polar, with alanine, which is neutral and non-polar, at codon 168 of the NEXMIF protein (p.Gly168Ala). This variant is not present in population databases (gnomAD no frequency). This variant has not been reported in the literature in individuals affected with NEXMIF-related conditions. ClinVar contains an entry for this variant (Variation ID: 938444). An algorithm developed to predict the effect of missense changes on protein structure and function (PolyPhen-2) suggests that this variant is likely to be tolerated. In summary, the available evidence is currently insufficient to determine the role of this variant in disease. Therefore, it has been classified as a Variant of Uncertain Significance.

NM_001008537.3(NEXMIF):c.503G>C (p.Gly168Ala)

Gene: NEXMIF (neurite extension and migration factor; minus strand). Cytogenetic location: Xq13.3.
Variant type: single nucleotide variant.
Coding change: c.503G>C on transcript NM_001008537.3 (MANE Select); coding-DNA position 503, G replaced by C.
Protein change: p.Gly168Ala; replaces glycine 168 with alanine.
Molecular consequence: missense variant.
Genome position (GRCh38, 1-based): chrX:74,744,054, C>G on the plus strand (G>C on the coding strand, the complement: NEXMIF is on the minus strand). VCF-style: chrX-74744054-C-G. GRCh37 (hg19) VCF-style: chrX-73963889-C-G.
Other names: c.503G>C (NM_001008537.1); short protein forms G168A.
Identifiers: ClinVar variation 938444 (VCV000938444.10), dbSNP rs2080117537, ClinGen allele CA413673184.